The following is an entry in ClinVar:

ClinVar aggregate classification (germline): Conflicting classifications of pathogenicity. Review status: criteria provided, conflicting classifications (1 of 4 stars). 8 submissions from 8 submitters: Uncertain significance (1); Likely benign (6). 1 of the submissions does not count toward it. Last evaluated 2026-06-01.

Conditions:
SLX4-related disorder. Also called: SLX4-related condition.
Fanconi anemia complementation group P. Also called: SLX4-Related Fanconi Anemia. Identifiers: Orphanet 84, MedGen C3469542, MONDO:0013499, OMIM 613951.
Fanconi anemia (FA). Also called: Fanconi's anemia. Identifiers: Orphanet 84, MedGen C0015625, MeSH D005199, MONDO:0019391.

Allele frequency attached by ClinVar (database versions not stated): 1000 Genomes Project 30x 0.00016; 1000 Genomes Project 0.00020; ESP Exome Variant Server 0.00023; ExAC 0.00027; gnomAD exomes 0.00029 and 0.00031; gnomAD 0.00040 and 0.00047; TOPMed 0.00050.
gnomAD v4.1: 505 of 1,614,142 alleles (0.031%); highest among the groups gnomAD compares: Middle Eastern, 0.05%; no homozygotes.

Submissions (8):

CeGaT Center for Human Genetics Tuebingen
Classification: Likely benign. Last evaluated: 2026-06-01. Review status: criteria provided, single submitter. Criteria: CeGaT Center For Human Genetics Tuebingen Variant Classification Criteria Version 2. Collection method: clinical testing. Allele origin: germline. Affected: yes. Observed: 8 variant alleles.
Comment: SLX4: BP4, BP7

Labcorp Genetics (formerly Invitae), Labcorp
Classification: Likely benign for Fanconi anemia. Last evaluated: 2026-01-29. Review status: criteria provided, single submitter. Criteria: Invitae Variant Classification Sherloc (09022015). Collection method: clinical testing. Allele origin: germline.

Blueprint Genetics
Classification: Likely benign. Last evaluated: 2024-11-18. Review status: criteria provided, single submitter. Criteria: ACMG Guidelines, 2015. Collection method: clinical testing. Allele origin: germline.

ARUP Laboratories, Molecular Genetics and Genomics, ARUP Laboratories
Classification: Likely benign for Fanconi anemia complementation group P. Last evaluated: 2024-07-08. Review status: criteria provided, single submitter. Criteria: ARUP Molecular Germline Variant Investigation Process 2024. Collection method: clinical testing. Allele origin: germline.

KCCC/NGS Laboratory, Kuwait Cancer Control Center
Classification: Likely benign for Fanconi anemia complementation group P. Last evaluated: 2023-07-07. Review status: criteria provided, single submitter. Criteria: ACMG Guidelines, 2015. Collection method: clinical testing. Allele origin: germline. Affected: yes.

Sema4
Classification: Likely benign for Fanconi anemia. Last evaluated: 2021-01-07. Review status: criteria provided, single submitter. Criteria: Sema4 Curation Guidelines. Collection method: curation. Allele origin: germline.

Illumina Laboratory Services, Illumina
Classification: Uncertain significance for Fanconi anemia complementation group P. Last evaluated: 2018-01-12. Review status: criteria provided, single submitter. Criteria: ICSL Variant Classification Criteria 13 December 2019. Collection method: clinical testing. Allele origin: germline.

PreventionGenetics, part of Exact Sciences
Classification: Likely benign for SLX4-related condition. Last evaluated: 2019-06-24. Review status: no assertion criteria provided. Collection method: clinical testing. Allele origin: germline. Not counted in ClinVar's aggregate classification.
Comment: This variant is classified as likely benign based on ACMG/AMP sequence variant interpretation guidelines (Richards et al. 2015 PMID: 25741868, with internal and published modifications).

NM_032444.4(SLX4):c.3189C>T (p.Gly1063=)

Gene: SLX4 (SLX4 structure-specific endonuclease subunit; minus strand). Cytogenetic location: 16p13.3.
Variant type: single nucleotide variant.
Coding change: c.3189C>T on transcript NM_032444.4 (MANE Select); coding-DNA position 3189, C replaced by T.
Protein change: p.Gly1063=; no amino-acid change (glycine 1063 retained).
Molecular consequence: synonymous variant.
Genome position (GRCh38, 1-based): chr16:3,590,449, G>A on the plus strand (C>T on the coding strand, the complement: SLX4 is on the minus strand). VCF-style: chr16-3590449-G-A. GRCh37 (hg19) VCF-style: chr16-3640450-G-A.
Other names: c.3189C>T (LRG_503t1, NM_032444.3).
Identifiers: ClinVar variation 414713 (VCV000414713.44), dbSNP rs200742809, ClinGen allele CA7865970.